The following is an entry in ClinVar:

NM_130837.3(OPA1):c.2989G>A (p.Val997Ile)

Gene: OPA1 (OPA1 mitochondrial dynamin like GTPase; plus strand). Cytogenetic location: 3q29.
Variant type: single nucleotide variant.
Coding change: c.2989G>A on transcript NM_130837.3 (MANE Select); coding-DNA position 2989, G replaced by A.
Protein change: p.Val997Ile; replaces valine 997 with isoleucine.
Molecular consequence: missense variant.
Genome position (GRCh38, 1-based): chr3:193,692,068, G>A. VCF-style: chr3-193692068-G-A. GRCh37 (hg19) VCF-style: chr3-193409857-G-A.
Other names: c.2824G>A, p.Val942Ile (NM_015560.3); c.2716G>A, p.Val906Ile (NM_130831.3); c.2770G>A, p.Val924Ile (NM_130832.3); c.2827G>A, p.Val943Ile (NM_130833.3); c.2878G>A, p.Val960Ile (NM_130834.3); c.2881G>A, p.Val961Ile (NM_130835.3); c.2935G>A, p.Val979Ile (NM_130836.3); c.2455G>A, p.Val819Ile (NM_001354663.2); and 1 more; short protein forms V924I, V942I, V960I, V961I, V979I, V819I, V906I, V943I.
Identifiers: ClinVar variation 3686102 (VCV003686102.2).

ClinVar aggregate classification (germline): Uncertain significance (1 of 4 stars; one submission).

gnomAD v4.1: 1 of 1,520,292 alleles (0.000066%); highest among the groups gnomAD compares: Non-Finnish European, 0.00009%; no homozygotes.

Submission:

Labcorp Genetics (formerly Invitae), Labcorp
Classification: Uncertain significance. Last evaluated: 2024-08-07. Review status: criteria provided, single submitter. Criteria: Invitae Variant Classification Sherloc (09022015). Collection method: clinical testing. Allele origin: germline.
Comment: This sequence change replaces valine, which is neutral and non-polar, with isoleucine, which is neutral and non-polar, at codon 942 of the OPA1 protein (p.Val942Ile). This variant is not present in population databases (gnomAD no frequency). This variant has not been reported in the literature in individuals affected with OPA1-related conditions. Advanced modeling of protein sequence and biophysical properties (such as structural, functional, and spatial information, amino acid conservation, physicochemical variation, residue mobility, and thermodynamic stability) performed at Invitae indicates that this missense variant is not expected to disrupt OPA1 protein function with a negative predictive value of 80%. In summary, the available evidence is currently insufficient to determine the role of this variant in disease. Therefore, it has been classified as a Variant of Uncertain Significance.